The following is an entry in ClinVar:

NM_017999.5(RNF31):c.1387C>T (p.Arg463Ter)

Gene: RNF31 (ring finger protein 31; plus strand). Cytogenetic location: 14q12.
Variant type: single nucleotide variant.
Coding change: c.1387C>T on transcript NM_017999.5 (MANE Select); coding-DNA position 1387, C replaced by T.
Protein change: p.Arg463Ter; replaces arginine 463 with a stop codon.
Molecular consequence: nonsense.
Genome position (GRCh38, 1-based): chr14:24,150,787, C>T. VCF-style: chr14-24150787-C-T. GRCh37 (hg19) VCF-style: chr14-24619996-C-T.
Other names: c.934C>T, p.Arg312Ter (NM_001310332.2); short protein forms R312*, R463*.
Identifiers: ClinVar variation 3618339 (VCV003618339.2).

ClinVar aggregate classification (germline): Uncertain significance (1 of 4 stars; one submission).

Submission:

Labcorp Genetics (formerly Invitae), Labcorp
Classification: Uncertain significance. Last evaluated: 2025-12-16. Review status: criteria provided, single submitter. Criteria: Invitae Variant Classification Sherloc (09022015). Collection method: clinical testing. Allele origin: germline.
Comment: This sequence change creates a premature translational stop signal (p.Arg463*) in the RNF31 gene. It is expected to result in an absent or disrupted protein product. However, the current clinical and genetic evidence is not sufficient to establish whether loss-of-function variants in RNF31 cause disease. This variant is present in population databases (rs773024185, gnomAD 0.002%). This variant has not been reported in the literature in individuals affected with RNF31-related conditions. ClinVar contains an entry for this variant (Variation ID: 3618339). Algorithms developed to predict the effect of sequence changes on RNA splicing suggest that this variant may create or strengthen a splice site. In summary, the available evidence is currently insufficient to determine the role of this variant in disease. Therefore, it has been classified as a Variant of Uncertain Significance.